The following is an entry in ClinVar:

NM_152594.3(SPRED1):c.696del (p.Lys232fs)

Gene: SPRED1 (sprouty related EVH1 domain containing 1; plus strand). Cytogenetic location: 15q14.
Variant type: Deletion.
Coding change: c.696del on transcript NM_152594.3 (MANE Select); coding-DNA position 696, one base deleted (A; older notation c.696delA).
Protein change: p.Lys232fs; shifts the reading frame from lysine 232.
Molecular consequence: frameshift variant.
Genome position (GRCh38, 1-based): chr15:38,351,025, A deleted; the last of 3 consecutive A bases (chr15:38,351,023-38,351,025); deleting any one gives the same sequence. VCF-style (leftmost placement, unchanged base first): chr15-38351022-GA-G. GRCh37 (hg19) VCF-style: chr15-38643223-GA-G.
Other names: short protein forms K232fs.
Identifiers: ClinVar variation 2749828 (VCV002749828.3), dbSNP rs2542742348, ClinGen allele CA2697554334.

ClinVar aggregate classification (germline): Pathogenic (1 of 4 stars; one submission).

Conditions:
Legius syndrome. Identifiers: Orphanet 137605, MedGen C1969623, MONDO:0012669, OMIM 611431. Disease mechanism: loss of function.

Submission:

Labcorp Genetics (formerly Invitae), Labcorp
Classification: Pathogenic for Legius syndrome. Last evaluated: 2023-08-03. Review status: criteria provided, single submitter. Criteria: Invitae Variant Classification Sherloc (09022015). Collection method: clinical testing. Allele origin: germline.
Comment: This sequence change creates a premature translational stop signal (p.Lys232Asnfs*17) in the SPRED1 gene. While this is not anticipated to result in nonsense mediated decay, it is expected to disrupt the last 213 amino acid(s) of the SPRED1 protein. This variant is not present in population databases (gnomAD no frequency). This variant has not been reported in the literature in individuals affected with SPRED1-related conditions. This variant disrupts a region of the SPRED1 protein in which other variant(s) (p.Cys418Alafs*6) have been determined to be pathogenic (PMID: 19920235; Invitae). This suggests that this is a clinically significant region of the protein, and that variants that disrupt it are likely to be disease-causing. For these reasons, this variant has been classified as Pathogenic.

Literature cited by the submitters: PubMed 19920235.